The following is an entry in ClinVar:

ClinVar aggregate classification (germline): Likely benign (0 of 4 stars; one submission).

Conditions:
CSMD1-related disorder. Also called: CSMD1-related condition.

Allele frequency attached by ClinVar (database versions not stated): ESP Exome Variant Server 0.00008; ExAC 0.00012; gnomAD 0.00012.
gnomAD v4.1: 115 of 1,613,908 alleles (0.0071%); highest among the groups gnomAD compares: Middle Eastern, 0.083%; 1 homozygote.

Submission:

PreventionGenetics, part of Exact Sciences
Classification: Likely benign for CSMD1-related condition. Last evaluated: 2019-08-21. Review status: no assertion criteria provided. Collection method: clinical testing. Allele origin: germline.
Comment: This variant is classified as likely benign based on ACMG/AMP sequence variant interpretation guidelines (Richards et al. 2015 PMID: 25741868, with internal and published modifications).

NM_033225.6(CSMD1):c.540C>T (p.His180=)

Gene: CSMD1 (CUB and Sushi multiple domains 1; minus strand). Cytogenetic location: 8p23.2.
Variant type: single nucleotide variant.
Coding change: c.540C>T on transcript NM_033225.6 (MANE Select); coding-DNA position 540, C replaced by T.
Protein change: p.His180=; no amino-acid change (histidine 180 retained).
Molecular consequence: synonymous variant.
Genome position (GRCh38, 1-based): chr8:4,031,975, G>A on the plus strand (C>T on the coding strand, the complement: CSMD1 is on the minus strand). VCF-style: chr8-4031975-G-A. GRCh37 (hg19) VCF-style: chr8-3889497-G-A.
Identifiers: ClinVar variation 3053081 (VCV003053081.2), dbSNP rs368684088, ClinGen allele CA4609614.